The following is an entry in ClinVar:

ClinVar aggregate classification (germline): Likely pathogenic. Review status: criteria provided, multiple submitters, no conflicts (2 of 4 stars). 2 submissions from 2 submitters: Likely pathogenic (2). Last evaluated 2024-08-09.

Conditions:
Familial thoracic aortic aneurysm and aortic dissection (TAAD). Also called: Thoracic aortic aneurysms and dissections. Identifiers: Orphanet 91387, MedGen C4707243, MONDO:0019625.
Loeys-Dietz syndrome 2 (LDS2). Also called: Marfan syndrome, type 2 (formerly); TGFBR2-Related Loeys-Dietz Syndrome; Marfan Syndrome type 2; Marfan like connective tissue disorder; MFS 2; AORTIC ANEURYSM, FAMILIAL THORACIC 3. Identifiers: Orphanet 284973, Orphanet 558, MedGen C2674574, MONDO:0012427, OMIM 610168.

Submissions (2):

Institute of Human Genetics, University of Leipzig Medical Center
Classification: Likely pathogenic for Loeys-Dietz syndrome 2. Last evaluated: 2024-08-09. Review status: criteria provided, single submitter. Criteria: ACMG Guidelines, 2015. Collection method: clinical testing. Allele origin: unknown. Inheritance: Autosomal dominant inheritance. Affected: yes.
Comment: Criteria applied: PM5,PS4_SUP,PM2_SUP,PP3,PP4

Labcorp Genetics (formerly Invitae), Labcorp
Classification: Likely pathogenic for Familial thoracic aortic aneurysm and aortic dissection. Last evaluated: 2019-03-19. Review status: criteria provided, single submitter. Criteria: Invitae Variant Classification Sherloc (09022015). Collection method: clinical testing. Allele origin: germline.
Comment: In summary, the currently available evidence indicates that the variant is pathogenic, but additional data are needed to prove that conclusively. Therefore, this variant has been classified as Likely Pathogenic. Algorithms developed to predict the effect of sequence changes on RNA splicing suggest that this variant may create or strengthen a splice site, but this prediction has not been confirmed by published transcriptional studies. Algorithms developed to predict the effect of missense changes on protein structure and function (SIFT, PolyPhen-2, Align-GVGD) all suggest that this variant is likely to be disruptive, but these predictions have not been confirmed by published functional studies and their clinical significance is uncertain. This variant is not present in population databases (ExAC no frequency). This sequence change replaces glycine with valine at codon 420 of the TGFBR2 protein (p.Gly420Val). The glycine residue is highly conserved and there is a moderate physicochemical difference between glycine and valine.

NM_003242.6(TGFBR2):c.1259G>T (p.Gly420Val)

Gene: TGFBR2 (transforming growth factor beta receptor 2; plus strand). Cytogenetic location: 3p24.1.
Variant type: single nucleotide variant.
Coding change: c.1259G>T on transcript NM_003242.6 (MANE Select); coding-DNA position 1259, G replaced by T.
Protein change: p.Gly420Val; replaces glycine 420 with valine.
Molecular consequence: missense variant.
Genome position (GRCh38, 1-based): chr3:30,674,109, G>T. VCF-style: chr3-30674109-G-T. GRCh37 (hg19) VCF-style: chr3-30715601-G-T.
Other names: c.1334G>T, p.Gly445Val (NM_001024847.3); c.1442G>T, p.Gly481Val (NM_001407126.1); c.1367G>T, p.Gly456Val (NM_001407127.1); c.1286G>T, p.Gly429Val (NM_001407128.1); c.1262G>T, p.Gly421Val (NM_001407129.1); c.1259G>T, p.Gly420Val (NM_001407130.1); c.1154G>T, p.Gly385Val (NM_001407132.1, NM_001407133.1, NM_001407134.1 and 2 more transcripts); c.974G>T, p.Gly325Val (NM_001407137.1); and 1 more; short protein forms G445V, G420V, G385V, G421V, G429V, G456V, G300V, G325V.
Identifiers: ClinVar variation 477537 (VCV000477537.10), dbSNP rs1553630426, ClinGen allele CA351808880.